The following is an entry in ClinVar:

NM_000551.4(VHL):c.-26C>G

Gene: VHL (von Hippel-Lindau tumor suppressor; plus strand). Cytogenetic location: 3p25.3.
Variant type: single nucleotide variant.
Coding change: c.-26C>G on transcript NM_000551.4 (MANE Select); 26 bases upstream of the start codon, C replaced by G.
Molecular consequence: 5 prime UTR variant.
Genome position (GRCh38, 1-based): chr3:10,141,822, C>G. VCF-style: chr3-10141822-C-G. GRCh37 (hg19) VCF-style: chr3-10183506-C-G.
Other names: c.-26C>G (NM_001354723.2, NM_198156.3).
Identifiers: ClinVar variation 378851 (VCV000378851.1), dbSNP rs775446934, ClinGen allele CA040108.

ClinVar aggregate classification (germline): Benign (1 of 4 stars; one submission).

Allele frequency attached by ClinVar (database versions not stated): gnomAD 0.00007 and 0.00006; TOPMed 0.00009 and 0.00006; ExAC 0.00048.
gnomAD v4.1: 98 of 1,536,398 alleles (0.0064%); highest among the groups gnomAD compares: Non-Finnish European, 0.0018%; no homozygotes.

Submission:

GeneDx
Classification: Benign. Last evaluated: 2015-03-13. Review status: criteria provided, single submitter. Criteria: GeneDx Variant Classification (06012015). Collection method: clinical testing. Allele origin: germline. Affected: yes.
Comment: This variant is considered likely benign or benign based on one or more of the following criteria: it is a conservative change, it occurs at a poorly conserved position in the protein, it is predicted to be benign by multiple in silico algorithms, and/or has population frequency not consistent with disease.